The following is an entry in ClinVar:

ClinVar aggregate classification (germline): Uncertain significance (1 of 4 stars; one submission).

Conditions:
BAP1-related tumor predisposition syndrome (TPDS1). Also called: COMMON Syndrome; TUMOR PREDISPOSITION SYNDROME 1; Tumor susceptibility linked to germline BAP1 mutations; BAP1 tumor predisposition syndrome. Identifiers: Orphanet 289539, MedGen C3280492, MONDO:0013692, OMIM 614327.

Submission:

Labcorp Genetics (formerly Invitae), Labcorp
Classification: Uncertain significance for BAP1-related tumor predisposition syndrome. Last evaluated: 2024-05-21. Review status: criteria provided, single submitter. Criteria: Invitae Variant Classification Sherloc (09022015). Collection method: clinical testing. Allele origin: germline.
Comment: This sequence change replaces proline, which is neutral and non-polar, with histidine, which is basic and polar, at codon 42 of the BAP1 protein (p.Pro42His). This variant is not present in population databases (gnomAD no frequency). This variant has not been reported in the literature in individuals affected with BAP1-related conditions. An algorithm developed to predict the effect of missense changes on protein structure and function (PolyPhen-2) suggests that this variant is likely to be disruptive. In summary, the available evidence is currently insufficient to determine the role of this variant in disease. Therefore, it has been classified as a Variant of Uncertain Significance.

NM_004656.4(BAP1):c.125C>A (p.Pro42His)

Gene: BAP1 (BRCA1 associated deubiquitinase 1; minus strand). Cytogenetic location: 3p21.1.
Variant type: single nucleotide variant.
Coding change: c.125C>A on transcript NM_004656.4 (MANE Select); coding-DNA position 125, C replaced by A.
Protein change: p.Pro42His; replaces proline 42 with histidine.
Molecular consequence: missense variant.
Genome position (GRCh38, 1-based): chr3:52,408,604, G>T on the plus strand (C>A on the coding strand, the complement: BAP1 is on the minus strand). VCF-style: chr3-52408604-G-T. GRCh37 (hg19) VCF-style: chr3-52442620-G-T.
Other names: c.125C>A, p.Pro42His (NM_001410772.1); short protein forms P42H.
Identifiers: ClinVar variation 3654039 (VCV003654039.2).